The following is an entry in ClinVar:

NM_001080421.3(UNC13A):c.660C>T (p.Asn220=)

Gene: UNC13A (unc-13 homolog A; minus strand). Cytogenetic location: 19p13.11.
Variant type: single nucleotide variant.
Coding change: c.660C>T on transcript NM_001080421.3 (MANE Select); coding-DNA position 660, C replaced by T.
Protein change: p.Asn220=; no amino-acid change (asparagine 220 retained).
Molecular consequence: synonymous variant.
Genome position (GRCh38, 1-based): chr19:17,658,169, G>A on the plus strand (C>T on the coding strand, the complement: UNC13A is on the minus strand). VCF-style: chr19-17658169-G-A. GRCh37 (hg19) VCF-style: chr19-17768978-G-A.
Other names: p.Asn220=; c.660C>T, p.Asn220= (NM_001387021.1, NM_001387022.1, NM_001387023.1).
Identifiers: ClinVar variation 749847 (VCV000749847.4), dbSNP rs774860430, ClinGen allele CA9298689.
Genomic context (GRCh38, chr19:17,658,169, plus strand): 5'-ACTGTAGGACTCCCGGGAGCCCAGGGGTGGTGGGCGAACAGAATATTGGTGGACTGAGGC[G>A]TTGGGTTGTGACGTAGTATAATAGGGCGGCGGGATGCTGTTGCTCGTTTCACTGCGGTAG-3'
Protein context (NP_001073890.2, residues 210-230): PPPYYTTSQP[Asn220=]ASVHQYSVRP

ClinVar aggregate classification (germline): Likely benign. Review status: criteria provided, multiple submitters, no conflicts (2 of 4 stars). 2 submissions from 2 submitters: Likely benign (2). Last evaluated 2025-09-05.

Allele frequency attached by ClinVar (database versions not stated): gnomAD 0.00001 and 0.00002; gnomAD exomes 0.00003 and 0.00006; ExAC 0.00007; TOPMed 0.00002.
gnomAD v4.1: 48 of 1,613,856 alleles (0.003%); highest among the groups gnomAD compares: South Asian, 0.022%; no homozygotes.

Submissions (2):

Mayo Clinic Laboratories, Mayo Clinic
Classification: Likely benign. Last evaluated: 2025-09-05. Review status: criteria provided, single submitter. Criteria: ACMG Guidelines, 2015. Collection method: clinical testing. Allele origin: germline. Observed: 1 variant allele.
Comment: BP4, BP7

Labcorp Genetics (formerly Invitae), Labcorp
Classification: Likely benign. Last evaluated: 2018-06-17. Review status: criteria provided, single submitter. Criteria: Invitae Variant Classification Sherloc (09022015). Collection method: clinical testing. Allele origin: germline.